The following is an entry in ClinVar:

ClinVar aggregate classification (germline): Uncertain significance (1 of 4 stars; one submission).

Conditions:
Dilated cardiomyopathy 1W (CMD1W). Identifiers: Orphanet 154, MedGen C1969639, MONDO:0012667, OMIM 611407.

Allele frequency attached by ClinVar (database versions not stated): gnomAD exomes below 0.00001.
gnomAD v4.1: 1 of 1,614,128 alleles (0.000062%); highest among the groups gnomAD compares: Non-Finnish European, 0.000085%; no homozygotes.

Submission:

Labcorp Genetics (formerly Invitae), Labcorp
Classification: Uncertain significance for Dilated cardiomyopathy 1W. Last evaluated: 2021-03-21. Review status: criteria provided, single submitter. Criteria: Invitae Variant Classification Sherloc (09022015). Collection method: clinical testing. Allele origin: germline.
Comment: In summary, the available evidence is currently insufficient to determine the role of this variant in disease. Therefore, it has been classified as a Variant of Uncertain Significance. This variant has not been reported in the literature in individuals with VCL-related conditions. This variant is not present in population databases (ExAC no frequency). This sequence change creates a premature translational stop signal (p.Trp503*) in the VCL gene. It is expected to result in an absent or disrupted protein product. However, the current clinical and genetic evidence is not sufficient to establish whether loss-of-function variants in VCL cause disease.

NM_014000.3(VCL):c.1509G>A (p.Trp503Ter)

Gene: VCL (vinculin; plus strand). Cytogenetic location: 10q22.2.
Variant type: single nucleotide variant.
Coding change: c.1509G>A on transcript NM_014000.3 (MANE Select); coding-DNA position 1509, G replaced by A.
Protein change: p.Trp503Ter; replaces tryptophan 503 with a stop codon.
Molecular consequence: nonsense.
Genome position (GRCh38, 1-based): chr10:74,094,427, G>A. VCF-style: chr10-74094427-G-A. GRCh37 (hg19) VCF-style: chr10-75854185-G-A.
Other names: c.1509G>A, p.Trp503Ter (NM_003373.4); short protein forms W503*.
Identifiers: ClinVar variation 1468490 (VCV001468490.6), dbSNP rs2131914592, ClinGen allele CA377273965.